The following is an entry in ClinVar:

NM_004360.5(CDH1):c.2346G>A (p.Val782=)

Gene: CDH1 (cadherin 1; plus strand). Cytogenetic location: 16q22.1.
Variant type: single nucleotide variant.
Coding change: c.2346G>A on transcript NM_004360.5 (MANE Select); coding-DNA position 2346, G replaced by A.
Protein change: p.Val782=; no amino-acid change (valine 782 retained).
Molecular consequence: synonymous variant.
Genome position (GRCh38, 1-based): chr16:68,829,704, G>A. VCF-style: chr16-68829704-G-A. GRCh37 (hg19) VCF-style: chr16-68863607-G-A.
Other names: c.2346G>A (LRG_301t1); c.2163G>A, p.Val721= (NM_001317184.2); c.798G>A, p.Val266= (NM_001317185.2); c.381G>A, p.Val127= (NM_001317186.2).
Identifiers: ClinVar variation 463757 (VCV000463757.18), dbSNP rs770269419, ClinGen allele CA8130261.
Genomic context (GRCh38, chr16:68,829,704, plus strand): 5'-TTCTCCAAAGGACTTTGACTTGAGCCAGCTGCACAGGGGCCTGGACGCTCGGCCTGAAGT[G>A]ACTCGTAACGACGTTGCACCAACCCTCATGAGTGTCCCCCGGTATCTTCCCCGCCCTGCC-3'
Protein context (NP_004351.1, residues 772-792): LHRGLDARPE[Val782=]TRNDVAPTLM

ClinVar aggregate classification (germline): Benign/Likely benign. Review status: criteria provided, multiple submitters, no conflicts (2 of 4 stars). 5 submissions from 5 submitters: Benign (1); Likely benign (4). Last evaluated 2026-02-04.

Conditions:
Hereditary cancer-predisposing syndrome. Also called: Hereditary neoplastic syndrome; Neoplastic Syndromes, Hereditary; Tumor predisposition; Hereditary Cancer Syndrome. Identifiers: Orphanet 140162, MedGen C0027672, MeSH D009386, MONDO:0015356.
Hereditary diffuse gastric adenocarcinoma (HDGC). Also called: DIFFUSE GASTRIC AND LOBULAR BREAST CANCER SYNDROME. Identifiers: Orphanet 26106, MedGen C1708349, MONDO:0007648, OMIM 137215.

Allele frequency attached by ClinVar (database versions not stated): gnomAD exomes 0.00001 and 0.00002; ExAC 0.00002.

Submissions (5):

Labcorp Genetics (formerly Invitae), Labcorp
Classification: Likely benign for Hereditary diffuse gastric adenocarcinoma. Last evaluated: 2026-02-04. Review status: criteria provided, single submitter. Criteria: Invitae Variant Classification Sherloc (09022015). Collection method: clinical testing. Allele origin: germline.

Myriad Genetics, Inc.
Classification: Benign for Hereditary diffuse gastric adenocarcinoma. Last evaluated: 2024-09-23. Review status: criteria provided, single submitter. Criteria: Myriad Autosomal Dominant, Autosomal Recessive and X-Linked Classification Criteria (2023). Collection method: clinical testing. Allele origin: unknown.
Comment: This variant is considered benign. This variant is a silent/synonymous amino acid change and it is not expected to impact splicing.

Ambry Genetics
Classification: Likely benign for Hereditary cancer-predisposing syndrome. Last evaluated: 2021-01-19. Review status: criteria provided, single submitter. Criteria: Ambry Variant Classification Scheme 2023. Collection method: clinical testing. Allele origin: germline.

GeneDx
Classification: Likely benign. Last evaluated: 2018-04-12. Review status: criteria provided, single submitter. Criteria: GeneDx Variant Classification (06012015). Collection method: clinical testing. Allele origin: germline. Affected: yes.
Comment: This variant is considered likely benign or benign based on one or more of the following criteria: it is a conservative change, it occurs at a poorly conserved position in the protein, it is predicted to be benign by multiple in silico algorithms, and/or has population frequency not consistent with disease.

Color Diagnostics, LLC DBA Color Health
Classification: Likely benign for Hereditary cancer-predisposing syndrome. Last evaluated: 2016-07-24. Review status: criteria provided, single submitter. Criteria: ACMG Guidelines, 2015. Collection method: clinical testing. Allele origin: germline.